The following is an entry in ClinVar:

NM_007118.4(TRIO):c.6083_6083+1dup

Gene: TRIO (trio Rho guanine nucleotide exchange factor; plus strand). Cytogenetic location: 5p15.2.
Variant type: Microsatellite.
Coding change: c.6083_6083+1dup on transcript NM_007118.4 (MANE Select); coding-DNA position 6083 through the canonical splice donor site of the intron after coding-DNA position 6083, 2 bases duplicated (AG; older notation c.6083_6083+1dupAG).
Molecular consequence: splice donor variant.
Genome position (GRCh38, 1-based): chr5:14,474,097-14,474,098, AG duplicated; duplicating any 2 consecutive bases within chr5:14,474,093-14,474,098 gives the same sequence; the c. name uses the placement nearest the transcript's 3' end. VCF-style (leftmost placement, unchanged base first): chr5-14474092-C-CAG. GRCh37 (hg19) VCF-style: chr5-14474201-C-CAG.
Identifiers: ClinVar variation 4856200 (VCV004856200.1).
Genomic context (GRCh38, chr5:14,474,092, plus strand): 5'-TGACATGAAAGGAAAAGACAAAATTGTGTTCGGCAACATCCATCAGATTTACGACTGGCA[C>CAG]AGAGAGTACGTAAACATGCATTGTGCCCGATGGTGTGCAAAGCAGCCACACTTGCTAAAC-3'

ClinVar aggregate classification (germline): Likely pathogenic (1 of 4 stars; one submission).

Conditions:
Intellectual developmental disorder, autosomal dominant 44, with microcephaly. Also called: Micrognathia-recurrent infections-behavioral abnormalities-mild intellectual disability syndrome; TRIO-Related Intellectual Disability. Identifiers: Orphanet 476126, MedGen C4310740, MONDO:0014892, OMIM 617061.

Submission:

3billion
Classification: Likely pathogenic for Intellectual developmental disorder, autosomal dominant 44, with microcephaly. Last evaluated: 2025-09-24. Review status: criteria provided, single submitter. Criteria: ACMG Guidelines, 2015. Collection method: clinical testing. Allele origin: germline. Affected: yes.
Comment: The variant is not observed in the gnomAD v4.1.0 dataset. Predicted Consequence/Location: Frameshift: predicted to result in a loss or disruption of normal protein function through nonsense-mediated decay (NMD) or protein truncation. Multiple pathogenic variants are reported downstream of the variant. Therefore, this variant is classified as Likely pathogenic according to the recommendation of ACMG/AMP guideline.